The following is an entry in ClinVar:

ClinVar aggregate classification (germline): Uncertain significance. Review status: criteria provided, multiple submitters, no conflicts (2 of 4 stars). 2 submissions from 2 submitters: Uncertain significance (2). Last evaluated 2026-05-01.

Allele frequency attached by ClinVar (database versions not stated): ExAC 0.00001; gnomAD 0.00001; gnomAD exomes 0.00001 and 0.00002; TOPMed 0.00001.
gnomAD v4.1: 40 of 1,613,822 alleles (0.0025%); highest among the groups gnomAD compares: Middle Eastern, 0.016%; no homozygotes.

Submissions (2):

CeGaT Center for Human Genetics Tuebingen
Classification: Uncertain significance. Last evaluated: 2026-05-01. Review status: criteria provided, single submitter. Criteria: CeGaT Center For Human Genetics Tuebingen Variant Classification Criteria Version 2. Collection method: clinical testing. Allele origin: germline. Affected: yes. Observed: 1 variant allele.
Comment: TTN: PM2, BP4

Eurofins Ntd Llc (ga)
Classification: Uncertain significance. Last evaluated: 2017-01-11. Review status: criteria provided, single submitter. Criteria: EGL Classification Definitions 2015. Collection method: clinical testing. Allele origin: germline. Observed: 1 variant allele, 1 heterozygote.

NM_001267550.2(TTN):c.103753G>A (p.Asp34585Asn)

Genes: TTN (titin; minus strand), TTN-AS1 (TTN antisense RNA 1; plus strand). Cytogenetic location: 2q31.2.
Variant type: single nucleotide variant.
Coding change: c.103753G>A on transcript NM_001267550.2 (MANE Select); coding-DNA position 103753, G replaced by A.
Protein change: p.Asp34585Asn; replaces aspartic acid 34585 with asparagine.
Molecular consequence: missense variant.
Genome position (GRCh38, 1-based): chr2:178,532,862, C>T on the plus strand (G>A on the coding strand, the complement: TTN is on the minus strand). VCF-style: chr2-178532862-C-T. GRCh37 (hg19) VCF-style: chr2-179397589-C-T.
Other names: c.98830G>A, p.Asp32944Asn (NM_001256850.1); c.76558G>A, p.Asp25520Asn (NM_003319.4); c.96049G>A, p.Asp32017Asn (NM_133378.4); c.76933G>A, p.Asp25645Asn (NM_133432.3); c.77134G>A, p.Asp25712Asn (NM_133437.4); short protein forms D32017N, D34585N, D25645N, D25520N, D32944N, D25712N.
Identifiers: ClinVar variation 499608 (VCV000499608.7), dbSNP rs759334691, ClinGen allele CA1985550.